The following is an entry in ClinVar:

ClinVar aggregate classification (germline): Uncertain significance. Review status: criteria provided, multiple submitters, no conflicts (2 of 4 stars). 3 submissions from 3 submitters: Uncertain significance (3). Last evaluated 2025-02-19.

Conditions:
Inborn genetic diseases. Identifiers: MedGen C0950123, MeSH D030342.

Allele frequency attached by ClinVar (database versions not stated): TOPMed 0.00001.
gnomAD v4.1: 5 of 1,613,604 alleles (0.00031%); highest among the groups gnomAD compares: Non-Finnish European, 0.00034%; no homozygotes.

Submissions (3):

Ambry Genetics
Classification: Uncertain significance for Inborn genetic diseases. Last evaluated: 2025-02-19. Review status: criteria provided, single submitter. Criteria: Ambry Variant Classification Scheme 2023. Collection method: clinical testing. Allele origin: germline.

Labcorp Genetics (formerly Invitae), Labcorp
Classification: Uncertain significance. Last evaluated: 2024-04-15. Review status: criteria provided, single submitter. Criteria: Invitae Variant Classification Sherloc (09022015). Collection method: clinical testing. Allele origin: germline.
Comment: This sequence change replaces leucine, which is neutral and non-polar, with phenylalanine, which is neutral and non-polar, at codon 1536 of the MYO3A protein (p.Leu1536Phe). This variant is present in population databases (no rsID available, gnomAD 0.0009%). This variant has not been reported in the literature in individuals affected with MYO3A-related conditions. ClinVar contains an entry for this variant (Variation ID: 1310023). An algorithm developed to predict the effect of missense changes on protein structure and function (PolyPhen-2) suggests that this variant is likely to be disruptive. In summary, the available evidence is currently insufficient to determine the role of this variant in disease. Therefore, it has been classified as a Variant of Uncertain Significance.

GeneDx
Classification: Uncertain significance. Last evaluated: 2019-11-19. Review status: criteria provided, single submitter. Criteria: GeneDx Variant Classification Process June 2021. Collection method: clinical testing. Allele origin: germline. Affected: yes.
Comment: Not observed at a significant frequency in large population cohorts (Lek et al., 2016); In silico analysis, which includes protein predictors and evolutionary conservation, supports that this variant does not alter protein structure/function; Has not been previously published as pathogenic or benign to our knowledge

NM_017433.5(MYO3A):c.4608G>T (p.Leu1536Phe)

Gene: MYO3A (myosin IIIA; plus strand). Cytogenetic location: 10p12.1.
Variant type: single nucleotide variant.
Coding change: c.4608G>T on transcript NM_017433.5 (MANE Select); coding-DNA position 4608, G replaced by T.
Protein change: p.Leu1536Phe; replaces leucine 1536 with phenylalanine.
Molecular consequence: missense variant.
Genome position (GRCh38, 1-based): chr10:26,202,985, G>T. VCF-style: chr10-26202985-G-T. GRCh37 (hg19) VCF-style: chr10-26491914-G-T.
Other names: short protein forms L1536F.
Identifiers: ClinVar variation 1310023 (VCV001310023.7), dbSNP rs753362191, ClinGen allele CA204383440.